The following is an entry in ClinVar:

NM_004523.4(KIF11):c.1876-18G>C

Gene: KIF11 (kinesin family member 11; plus strand). Cytogenetic location: 10q23.33.
Variant type: single nucleotide variant.
Coding change: c.1876-18G>C on transcript NM_004523.4 (MANE Select); 18 bases into the intron before coding-DNA position 1876, G replaced by C.
Molecular consequence: intron variant.
Genome position (GRCh38, 1-based): chr10:92,637,166, G>C. VCF-style: chr10-92637166-G-C. GRCh37 (hg19) VCF-style: chr10-94396923-G-C.
Other names: c.1876-18G>C (NM_004523.3).
Identifiers: ClinVar variation 1968750 (VCV001968750.6), dbSNP rs766673146, ClinGen allele CA5604277.
Genomic context (GRCh38, chr10:92,637,166, plus strand): 5'-TTTAAGATATCATTTAGAAAGGTTTACAGAAGTGGAAATATTCTTTTTAAAGACCTATTT[G>C]TTTATTTCTGAAACCAGAATGTACTCAAGACTGATCTTCTAAGTTCACTGGAAATGATTT-3'

ClinVar aggregate classification (germline): Likely benign. Review status: criteria provided, multiple submitters, no conflicts (2 of 4 stars). 2 submissions from 2 submitters: Likely benign (2). Last evaluated 2023-09-05.

Allele frequency attached by ClinVar (database versions not stated): gnomAD exomes below 0.00001; ExAC 0.00001; gnomAD 0.00001; TOPMed 0.00002.
gnomAD v4.1: 4 of 1,553,866 alleles (0.00026%); highest among the groups gnomAD compares: African/African-American, 0.0056%; no homozygotes.

Submissions (2):

Women's Health and Genetics/Laboratory Corporation of America, LabCorp
Classification: Likely benign. Last evaluated: 2023-09-05. Review status: criteria provided, single submitter. Criteria: LabCorp Variant Classification Summary - May 2015. Collection method: clinical testing. Allele origin: germline.
Comment: Variant summary: KIF11 c.1876-18G>C alters a non-conserved nucleotide located at a position not widely known to affect splicing. Consensus agreement among computation tools predict no significant impact on normal splicing. However, these predictions have yet to be confirmed by functional studies. The variant allele was found at a frequency of 4.8e-06 in 209302 control chromosomes (i.e., 1 heterozygote; gnomAD v2.1 Exomes dataset). The available data on variant occurrences in the general population are insufficient to allow any conclusion about variant significance. To our knowledge, no occurrence of c.1876-18G>C in individuals affected with Microcephaly With Or Without Chorioretinopathy, Lymphedema, Or Intellectual Disability and no experimental evidence demonstrating its impact on protein function have been reported. One submitter has reported clinical-significance assessments for this variant to ClinVar after 2014 and has classified the variant as likely benign. Based on the evidence outlined above, the variant was classified as likely benign.

Labcorp Genetics (formerly Invitae), Labcorp
Classification: Likely benign. Last evaluated: 2022-06-10. Review status: criteria provided, single submitter. Criteria: Invitae Variant Classification Sherloc (09022015). Collection method: clinical testing. Allele origin: germline.